The following is an entry in ClinVar:

NM_003072.5(SMARCA4):c.3688C>T (p.Gln1230Ter)

Gene: SMARCA4 (SWI/SNF related BAF chromatin remodeling complex subunit ATPase 4; plus strand). Cytogenetic location: 19p13.2.
Variant type: single nucleotide variant.
Coding change: c.3688C>T on transcript NM_003072.5 (MANE Select); coding-DNA position 3688, C replaced by T.
Protein change: p.Gln1230Ter; replaces glutamine 1230 with a stop codon.
Molecular consequence: nonsense. On other transcripts: non-coding transcript variant (1).
Genome position (GRCh38, 1-based): chr19:11,033,431, C>T. VCF-style: chr19-11033431-C-T. GRCh37 (hg19) VCF-style: chr19-11144107-C-T.
Other names: c.3688C>T, p.Gln1230Ter (NM_001128844.3, NM_001128845.2, NM_001128846.2 and 6 more transcripts); short protein forms Q1230*.
Identifiers: ClinVar variation 4725487 (VCV004725487.1).

ClinVar aggregate classification (germline): Pathogenic (1 of 4 stars; one submission).

Conditions:
Rhabdoid tumor predisposition syndrome 2 (RTPS2). Identifiers: Orphanet 231108, Orphanet 69077, MedGen C2750074, MONDO:0013224, OMIM 613325.

Submission:

Labcorp Genetics (formerly Invitae), Labcorp
Classification: Pathogenic for Rhabdoid tumor predisposition syndrome 2. Last evaluated: 2025-08-15. Review status: criteria provided, single submitter. Criteria: Invitae Variant Classification Sherloc (09022015). Collection method: clinical testing. Allele origin: germline.
Comment: This sequence change creates a premature translational stop signal (p.Gln1230*) in the SMARCA4 gene. It is expected to result in an absent or disrupted protein product. Loss-of-function variants in SMARCA4 are known to be pathogenic (PMID: 24658001, 24658002). This variant is not present in population databases (gnomAD no frequency). This variant has not been reported in the literature in individuals affected with SMARCA4-related conditions. For these reasons, this variant has been classified as Pathogenic.

Literature cited by the submitters: PubMed 24658001; PubMed 24658002.